The following is an entry in ClinVar:

NM_000545.8(HNF1A):c.49C>G (p.Leu17Val)

Gene: HNF1A (HNF1 homeobox A; plus strand). Cytogenetic location: 12q24.31.
Variant type: single nucleotide variant.
Coding change: c.49C>G on transcript NM_000545.8 (MANE Select); coding-DNA position 49, C replaced by G.
Protein change: p.Leu17Val; replaces leucine 17 with valine.
Molecular consequence: missense variant.
Genome position (GRCh38, 1-based): chr12:120,978,817, C>G. VCF-style: chr12-120978817-C-G. GRCh37 (hg19) VCF-style: chr12-121416620-C-G.
Other names: NM_001306179.2:c.49C>G; c.49C>G, p.Leu17Val (NM_001306179.2); short protein forms L17V.
Identifiers: ClinVar variation 1675056 (VCV001675056.4), dbSNP rs1876083246, ClinGen allele CA386952516.
Genomic context (GRCh38, chr12:120,978,817, plus strand): 5'-GGCAGCCGAGCCATGGTTTCTAAACTGAGCCAGCTGCAGACGGAGCTCCTGGCGGCCCTG[C>G]TCGAGTCAGGGCTGAGCAAAGAGGCACTGATCCAGGCACTGGGTGAGCCGGGGCCCTACC-3'
Protein context (NP_000536.6, residues 7-27): QLQTELLAAL[Leu17Val]ESGLSKEALI

ClinVar aggregate classification (germline): Uncertain significance (3 of 4 stars; one submission).

Conditions:
Monogenic diabetes. Identifiers: Orphanet 183625, MedGen C3888631, MONDO:0015967.

Allele frequency attached by ClinVar (database versions not stated): TOPMed below 0.00001.

Submission:

ClinGen Monogenic Diabetes Variant Curation Expert Panel
Classification: Uncertain significance for Monogenic diabetes. Last evaluated: 2025-06-09. Review status: reviewed by expert panel. Criteria: ClinGen Diabetes ACMG Specifications HNF1A V2.1.0. Collection method: curation. Allele origin: germline. Inheritance: Autosomal dominant inheritance.
Comment: The c.49C>G variant in the HNF1 homeobox A gene, HNF1A, causes an amino acid change of leucine to valine at codon 16 (p.(Leu17Val)) of NM_000545.8. This variant is absent from gnomAD v.2.1.1 and v4.1.0 (PM2_Supporting). This variant is located within the dimerization domain (codons 1-32) of HNF1A, which is defined as critical for the protein’s function by the ClinGen MDEP (PM1_Supporting). Additionally, this variant is predicted to be deleterious by computational evidence, with a REVEL score of 0.953, which is greater than the MDEP threshold of 0.70 (PP3). This variant segregated with diabetes, with three informative meioses in one family (PP1; internal lab contributors). This variant was reported in one individual with diabetes; however, there was insufficient clinical information to calculate a MODY Probability, and HNF4A was not tested; therefore PP4 will not be applied. Another variant at the same amino acid, c.50T>A (p.Leu17His), was classified as a VUS by the ClinGen MDEP; therefore, PM5 will not be applied. In summary, this variant meets the criteria to be classified as a variant of uncertain significance for monogenic diabetes. ACMG/AMP criteria applied, as specified by the ClinGen MDEP (specification version 2.1.0, approved 8/11/2023): PM2_Supporting, PM1_Supporting, PP3, PP1.